The following is an entry in ClinVar:

NM_022042.4(SLC26A1):c.1102G>A (p.Gly368Ser)

Genes: IDUA (alpha-L-iduronidase; plus strand), SLC26A1 (solute carrier family 26 member 1; minus strand). Cytogenetic location: 4p16.3.
Variant type: single nucleotide variant.
Coding change: c.1102G>A on transcript NM_022042.4 (MANE Select); coding-DNA position 1102, G replaced by A.
Protein change: p.Gly368Ser; replaces glycine 368 with serine.
Molecular consequence: missense variant. On other transcripts: intron variant (2).
Genome position (GRCh38, 1-based): chr4:989,837, C>T on the plus strand (G>A on the coding strand, the complement: SLC26A1 is on the minus strand). VCF-style: chr4-989837-C-T. GRCh37 (hg19) VCF-style: chr4-983625-C-T.
Other names: p.Gly368Ser; c.576+1291G>A (NM_134425.4); c.299+1888C>T (NM_000203.5); c.1102G>A, p.Gly368Ser (NM_213613.4); short protein forms G368S.
Identifiers: ClinVar variation 1168947 (VCV001168947.13), dbSNP rs3796623, ClinGen allele CA2801463.

ClinVar aggregate classification (germline): Benign. Review status: criteria provided, multiple submitters, no conflicts (2 of 4 stars). 4 submissions from 4 submitters: Benign (3). 1 of the submissions does not count toward it. Last evaluated 2026-02-01.

Conditions:
Nephrolithiasis susceptibility caused by SLC26A1 (CAON1). Also called: NEPHROLITHIASIS, CALCIUM OXALATE, 1. Identifiers: MedGen C5779632, MONDO:0020722, OMIM 167030.

Allele frequency attached by ClinVar (database versions not stated): 1000 Genomes Project 30x 0.01577; 1000 Genomes Project 0.01657; ESP Exome Variant Server 0.01730; TOPMed 0.02068; gnomAD 0.02286 and 0.02310; gnomAD exomes 0.02455 and 0.02621; ExAC 0.03933.
gnomAD v4.1: 41,058 of 1,579,648 alleles (2.6%); highest among the groups gnomAD compares: Middle Eastern, 5.3%; 639 homozygotes.

Submissions (4):

Labcorp Genetics (formerly Invitae), Labcorp
Classification: Benign. Last evaluated: 2026-02-01. Review status: criteria provided, single submitter. Criteria: Invitae Variant Classification Sherloc (09022015). Collection method: clinical testing. Allele origin: germline.

Mayo Clinic Laboratories, Mayo Clinic
Classification: Benign. Last evaluated: 2023-05-09. Review status: criteria provided, single submitter. Criteria: ACMG Guidelines, 2015. Collection method: clinical testing. Allele origin: germline. Observed: 6 variant alleles.
Comment: BS1, BS2

Breakthrough Genomics
Classification: Benign. Review status: criteria provided, single submitter. Criteria: ACMG Guidelines, 2015. Collection method: not provided. Allele origin: germline. Inheritance: Autosomal recessive inheritance. Affected: yes.

Chinese Inherited Urolithiasis Consortium, The Affiliated Yantai Yuhuangding Hospital of Qingdao University
Classification: Likely pathogenic for Nephrolithiasis susceptibility caused by SLC26A1. Last evaluated: 2024-08-26. Review status: no assertion criteria provided. Collection method: clinical testing. Allele origin: paternal. Affected: yes. Observed: 2 variant alleles. Not counted in ClinVar's aggregate classification.